The following is an entry in ClinVar:

NM_019842.4(KCNQ5):c.1187A>C (p.His396Pro)

Gene: KCNQ5 (potassium voltage-gated channel subfamily Q member 5; plus strand). Cytogenetic location: 6q13.
Variant type: single nucleotide variant.
Coding change: c.1187A>C on transcript NM_019842.4 (MANE Select); coding-DNA position 1187, A replaced by C.
Protein change: p.His396Pro; replaces histidine 396 with proline.
Molecular consequence: missense variant.
Genome position (GRCh38, 1-based): chr6:73,120,544, A>C. VCF-style: chr6-73120544-A-C. GRCh37 (hg19) VCF-style: chr6-73830267-A-C.
Other names: c.1187A>C, p.His396Pro (NM_001160130.2, NM_001160132.2, NM_001160133.2 and 1 more transcripts); short protein forms H396P.
Identifiers: ClinVar variation 1349499 (VCV001349499.8), dbSNP rs1372580265, ClinGen allele CA364827169.

ClinVar aggregate classification (germline): Uncertain significance (1 of 4 stars; one submission).

Allele frequency attached by ClinVar (database versions not stated): gnomAD exomes below 0.00001.
gnomAD v4.1: 1 of 1,611,804 alleles (0.000062%); highest among the groups gnomAD compares: South Asian, 0.0011%; no homozygotes.

Submission:

Labcorp Genetics (formerly Invitae), Labcorp
Classification: Uncertain significance. Last evaluated: 2024-02-17. Review status: criteria provided, single submitter. Criteria: Invitae Variant Classification Sherloc (09022015). Collection method: clinical testing. Allele origin: germline.
Comment: This sequence change replaces histidine, which is basic and polar, with proline, which is neutral and non-polar, at codon 396 of the KCNQ5 protein (p.His396Pro). This variant is present in population databases (no rsID available, gnomAD 0.003%). This variant has not been reported in the literature in individuals affected with KCNQ5-related conditions. ClinVar contains an entry for this variant (Variation ID: 1349499). Advanced modeling of protein sequence and biophysical properties (such as structural, functional, and spatial information, amino acid conservation, physicochemical variation, residue mobility, and thermodynamic stability) performed at Invitae indicates that this missense variant is not expected to disrupt KCNQ5 protein function with a negative predictive value of 80%. In summary, the available evidence is currently insufficient to determine the role of this variant in disease. Therefore, it has been classified as a Variant of Uncertain Significance.